The following is an entry in ClinVar:

ClinVar aggregate classification (germline): Uncertain significance (1 of 4 stars; one submission).

Allele frequency attached by ClinVar (database versions not stated): gnomAD exomes below 0.00001.

Submission:

Labcorp Genetics (formerly Invitae), Labcorp
Classification: Uncertain significance. Last evaluated: 2025-09-02. Review status: criteria provided, single submitter. Criteria: Invitae Variant Classification Sherloc (09022015). Collection method: clinical testing. Allele origin: germline.
Comment: This sequence change replaces valine, which is neutral and non-polar, with alanine, which is neutral and non-polar, at codon 678 of the ITGA6 protein (p.Val678Ala). This variant is present in population databases (no rsID available, gnomAD 0.006%). This variant has not been reported in the literature in individuals affected with ITGA6-related conditions. ClinVar contains an entry for this variant (Variation ID: 2047087). Invitae Evidence Modeling of protein sequence and biophysical properties (such as structural, functional, and spatial information, amino acid conservation, physicochemical variation, residue mobility, and thermodynamic stability) indicates that this missense variant is not expected to disrupt ITGA6 protein function with a negative predictive value of 80%. In summary, the available evidence is currently insufficient to determine the role of this variant in disease. Therefore, it has been classified as a Variant of Uncertain Significance.

NM_000210.4(ITGA6):c.2033T>C (p.Val678Ala)

Genes: ITGA6 (integrin subunit alpha 6; plus strand), PDK1-AS1 (PDK1 and ITGA6 antisense RNA 1; minus strand). Cytogenetic location: 2q31.1.
Variant type: single nucleotide variant.
Coding change: c.2033T>C on transcript NM_000210.4 (MANE Select); coding-DNA position 2033, T replaced by C.
Protein change: p.Val678Ala; replaces valine 678 with alanine.
Molecular consequence: missense variant.
Genome position (GRCh38, 1-based): chr2:172,487,326, T>C. VCF-style: chr2-172487326-T-C. GRCh37 (hg19) VCF-style: chr2-173352054-T-C.
Other names: c.2033T>C, p.Val678Ala (NM_001079818.3, NM_001365529.2, NM_001365530.2); c.1676T>C, p.Val559Ala (NM_001316306.2); c.2150T>C, p.Val717Ala (NM_001394928.1); short protein forms V678A, V559A, V717A.
Identifiers: ClinVar variation 2047087 (VCV002047087.4), dbSNP rs1384938033, ClinGen allele CA349293752.